The following is an entry in ClinVar:

NC_000002.11:g.(?_128044259)_(128044613_?)del

Gene: ERCC3 (ERCC excision repair 3, TFIIH core complex helicase subunit; minus strand). Cytogenetic location: 2q14.3.
Variant type: Deletion.
Identifiers: ClinVar variation 1372139 (VCV001372139.5).

ClinVar aggregate classification (germline): Uncertain significance (1 of 4 stars; one submission).

Submission:

Labcorp Genetics (formerly Invitae), Labcorp
Classification: Uncertain significance. Last evaluated: 2021-08-12. Review status: criteria provided, single submitter. Criteria: Invitae Variant Classification Sherloc (09022015). Collection method: clinical testing. Allele origin: germline.
Comment: This variant is a gross deletion of the genomic region encompassing exon(s) 8 of the ERCC3 gene. This variant would be expected to be in-frame, preserving the integrity of the reading frame. This variant has not been reported in the literature in individuals affected with ERCC3-related conditions. Experimental studies and prediction algorithms are not available or were not evaluated, and the functional significance of this variant is currently unknown. In summary, the available evidence is currently insufficient to determine the role of this variant in disease. Therefore, it has been classified as a Variant of Uncertain Significance.